The following is an entry in ClinVar:

ClinVar aggregate classification (germline): Uncertain significance (1 of 4 stars; one submission).

Submission:

Labcorp Genetics (formerly Invitae), Labcorp
Classification: Uncertain significance. Last evaluated: 2025-03-16. Review status: criteria provided, single submitter. Criteria: Invitae Variant Classification Sherloc (09022015). Collection method: clinical testing. Allele origin: germline.
Comment: This sequence change replaces aspartic acid, which is acidic and polar, with histidine, which is basic and polar, at codon 18 of the ARHGEF1 protein (p.Asp18His). This variant is not present in population databases (gnomAD no frequency). This variant has not been reported in the literature in individuals affected with ARHGEF1-related conditions. An algorithm developed to predict the effect of missense changes on protein structure and function (PolyPhen-2) suggests that this variant is likely to be tolerated. In summary, the available evidence is currently insufficient to determine the role of this variant in disease. Therefore, it has been classified as a Variant of Uncertain Significance.

NM_004706.4(ARHGEF1):c.7G>C (p.Asp3His)

Gene: ARHGEF1 (Rho guanine nucleotide exchange factor 1; plus strand). Cytogenetic location: 19q13.2.
Variant type: single nucleotide variant.
Coding change: c.7G>C on transcript NM_004706.4 (MANE Select); coding-DNA position 7, G replaced by C.
Protein change: p.Asp3His; replaces aspartic acid 3 with histidine.
Molecular consequence: missense variant. On other transcripts: non-coding transcript variant (2).
Genome position (GRCh38, 1-based): chr19:41,888,089, G>C. VCF-style: chr19-41888089-G-C. GRCh37 (hg19) VCF-style: chr19-42392160-G-C.
Other names: c.7G>C, p.Asp3His (NM_001396000.1, NM_001396002.1, NM_001396003.1 and 3 more transcripts); c.52G>C, p.Asp18His (NM_199002.2); short protein forms D18H, D3H.
Identifiers: ClinVar variation 4770994 (VCV004770994.1).